The following is an entry in ClinVar:

ClinVar aggregate classification (germline): Uncertain significance (1 of 4 stars; one submission).

Conditions:
Hereditary cancer-predisposing syndrome. Also called: Hereditary neoplastic syndrome; Neoplastic Syndromes, Hereditary; Tumor predisposition; Hereditary Cancer Syndrome. Identifiers: Orphanet 140162, MedGen C0027672, MeSH D009386, MONDO:0015356.

gnomAD v4.1: 1 of 1,613,818 alleles (0.000062%); highest among the groups gnomAD compares: Non-Finnish European, 0.000085%; no homozygotes.

Submission:

Ambry Genetics
Classification: Uncertain significance for Hereditary cancer-predisposing syndrome. Last evaluated: 2025-01-11. Review status: criteria provided, single submitter. Criteria: Ambry Variant Classification Scheme 2023. Collection method: clinical testing. Allele origin: germline.
Comment: The p.F39L variant (also known as c.115T>C), located in coding exon 2 of the EPCAM gene, results from a T to C substitution at nucleotide position 115. The phenylalanine at codon 39 is replaced by leucine, an amino acid with highly similar properties. This amino acid position is conserved. In addition, this alteration is predicted to be tolerated by in silico analysis. Based on the available evidence, the clinical significance of this variant remains unclear.

NM_002354.3(EPCAM):c.115T>C (p.Phe39Leu)

Gene: EPCAM (epithelial cell adhesion molecule; plus strand). Cytogenetic location: 2p21.
Variant type: single nucleotide variant.
Coding change: c.115T>C on transcript NM_002354.3 (MANE Select); coding-DNA position 115, T replaced by C.
Protein change: p.Phe39Leu; replaces phenylalanine 39 with leucine.
Molecular consequence: missense variant.
Genome position (GRCh38, 1-based): chr2:47,373,501, T>C. VCF-style: chr2-47373501-T-C. GRCh37 (hg19) VCF-style: chr2-47600640-T-C.
Other names: short protein forms F39L.
Identifiers: ClinVar variation 3845295 (VCV003845295.1).